The following is an entry in ClinVar:

ClinVar aggregate classification (germline): Uncertain significance (1 of 4 stars; one submission).

Allele frequency attached by ClinVar (database versions not stated): gnomAD exomes below 0.00001; ExAC 0.00001; ESP Exome Variant Server 0.00008.
gnomAD v4.1: 2 of 1,614,214 alleles (0.00012%); highest among the groups gnomAD compares: Non-Finnish European, 0.00017%; no homozygotes.

Submission:

Ambry Genetics
Classification: Uncertain significance. Last evaluated: 2024-07-07. Review status: criteria provided, single submitter. Criteria: Ambry Variant Classification Scheme 2023. Collection method: clinical testing. Allele origin: germline.
Comment: The p.S584C variant (also known as c.1751C>G), located in coding exon 3 of the ALPK2 gene, results from a C to G substitution at nucleotide position 1751. The serine at codon 584 is replaced by cysteine, an amino acid with dissimilar properties. This amino acid position is conserved. In addition, this alteration is predicted to be tolerated by in silico analysis. Since supporting evidence is limited at this time, the clinical significance of this alteration remains unclear.

NM_052947.4(ALPK2):c.1751C>G (p.Ser584Cys)

Gene: ALPK2 (alpha kinase 2; minus strand). Cytogenetic location: 18q21.31.
Variant type: single nucleotide variant.
Coding change: c.1751C>G on transcript NM_052947.4 (MANE Select); coding-DNA position 1751, C replaced by G.
Protein change: p.Ser584Cys; replaces serine 584 with cysteine.
Molecular consequence: missense variant.
Genome position (GRCh38, 1-based): chr18:58,579,025, G>C on the plus strand (C>G on the coding strand, the complement: ALPK2 is on the minus strand). VCF-style: chr18-58579025-G-C. GRCh37 (hg19) VCF-style: chr18-56246257-G-C.
Other names: short protein forms S584C.
Identifiers: ClinVar variation 1779401 (VCV001779401.3), dbSNP rs144640567, ClinGen allele CA8977195.